The following is an entry in ClinVar:

NM_000064.4(C3):c.3085G>A (p.Asp1029Asn)

Gene: C3 (complement C3; minus strand). Cytogenetic location: 19p13.3.
Variant type: single nucleotide variant.
Coding change: c.3085G>A on transcript NM_000064.4 (MANE Select); coding-DNA position 3085, G replaced by A.
Protein change: p.Asp1029Asn; replaces aspartic acid 1029 with asparagine.
Molecular consequence: missense variant.
Genome position (GRCh38, 1-based): chr19:6,694,500, C>T on the plus strand (G>A on the coding strand, the complement: C3 is on the minus strand). VCF-style: chr19-6694500-C-T. GRCh37 (hg19) VCF-style: chr19-6694511-C-T.
Other names: short protein forms D1029N.
Identifiers: ClinVar variation 812882 (VCV000812882.3), dbSNP rs1599507415, ClinGen allele CA403628678.

ClinVar aggregate classification (germline): Uncertain significance. Review status: criteria provided, single submitter (1 of 4 stars). 2 submissions from 2 submitters: Uncertain significance (1). 1 of the submissions does not count toward it. Last evaluated 2025-09-30.

Conditions:
Mesangiocapillary glomerulonephritis. Also called: Membranoproliferative glomerulonephritis. Identifiers: MedGen C0017662, MONDO:0002461, HP:0000793.
Atypical hemolytic-uremic syndrome. Identifiers: Orphanet 2134, MedGen C2931788, MONDO:0016244.

Allele frequency attached by ClinVar (database versions not stated): gnomAD exomes below 0.00001.

Submissions (2):

Genomenon, Inc
Classification: Uncertain significance for Atypical hemolytic-uremic syndrome. Last evaluated: 2025-09-30. Review status: criteria provided, single submitter. Criteria: Genomenon Sequence Variant Interpretation Standards. Collection method: curation. Allele origin: germline. Affected: yes.
Comment: C3 p.Asp1029Asn (c.3085G>A) is a missense variant that changes the amino acid at residue 1029 from Aspartic acid to Asparagine. This variant has been observed in at least one proband affected with atypical hemolytic-uremic syndrome (PMID:24029428). It is absent or not present at a significant frequency in gnomAD. In silico models agree that this variant is possibly or probably damaging. In conclusion, we classify C3 p.Asp1029Asn (c.3085G>A) as a variant of unknown significance.

NIHR Bioresource Rare Diseases, University of Cambridge
Classification: Likely pathogenic for Mesangiocapillary glomerulonephritis. Review status: no assertion criteria provided. Collection method: research. Allele origin: unknown. Affected: yes. Observed: 1 variant allele. Not counted in ClinVar's aggregate classification.

Literature cited by the submitters: PubMed 24029428 (cited by Genomenon, Inc); PubMed 32581362 (cited by NIHR Bioresource Rare Diseases, University of Cambridge).